The following is an entry in ClinVar:

ClinVar aggregate classification (germline): Uncertain significance (1 of 4 stars; one submission).

Conditions:
Heterotopia, periventricular, X-linked dominant (PVNH1). Also called: PERIVENTRICULAR NODULAR HETEROTOPIA 1; X-linked periventricular heterotopia; PERIVENTRICULAR NODULAR HETEROTOPIA 4; HETEROTOPIA, PERIVENTRICULAR, 1. Identifiers: Orphanet 2149, Orphanet 82004, MedGen C1848213, MONDO:0010233, OMIM 300049.
Melnick-Needles syndrome (MNS). Also called: Melnick-Needles Syndrome (FLNA-MNS); MELNICK-NEEDLES OSTEODYSPLASTY; OSTEODYSPLASTY OF MELNICK AND NEEDLES. Identifiers: Orphanet 2484, MedGen C0025237, MONDO:0010650, OMIM 309350.
Frontometaphyseal dysplasia (FMD1). Identifiers: Orphanet 1826, MedGen C0265293, MONDO:0015942.
Oto-palato-digital syndrome, type II (OPD2). Also called: Otopalatodigital Syndrome Type 2 (FLNA-OPD2); FACIOPALATOOSSEOUS SYNDROME; OPD II SYNDROME; Otopalatodigital Syndrome, Type II. Identifiers: Orphanet 669, Orphanet 90652, MedGen C1844696, MONDO:0010571, OMIM 304120.

Submission:

Labcorp Genetics (formerly Invitae), Labcorp
Classification: Uncertain significance for Oto-palato-digital syndrome, type II; Heterotopia, periventricular, X-linked dominant; Frontometaphyseal dysplasia; Melnick-Needles syndrome. Last evaluated: 2023-10-25. Review status: criteria provided, single submitter. Criteria: Invitae Variant Classification Sherloc (09022015). Collection method: clinical testing. Allele origin: germline.
Comment: This sequence change replaces valine, which is neutral and non-polar, with glycine, which is neutral and non-polar, at codon 2424 of the FLNA protein (p.Val2424Gly). This variant is not present in population databases (gnomAD no frequency). This variant has not been reported in the literature in individuals affected with FLNA-related conditions. Advanced modeling of protein sequence and biophysical properties (such as structural, functional, and spatial information, amino acid conservation, physicochemical variation, residue mobility, and thermodynamic stability) performed at Invitae indicates that this missense variant is not expected to disrupt FLNA protein function with a negative predictive value of 95%. In summary, the available evidence is currently insufficient to determine the role of this variant in disease. Therefore, it has been classified as a Variant of Uncertain Significance.

NM_001110556.2(FLNA):c.7295T>G (p.Val2432Gly)

Gene: FLNA (filamin A; minus strand). Cytogenetic location: Xq28.
Variant type: single nucleotide variant.
Coding change: c.7295T>G on transcript NM_001110556.2 (MANE Select); coding-DNA position 7295, T replaced by G.
Protein change: p.Val2432Gly; replaces valine 2432 with glycine.
Molecular consequence: missense variant.
Genome position (GRCh38, 1-based): chrX:154,350,069, A>C on the plus strand (T>G on the coding strand, the complement: FLNA is on the minus strand). VCF-style: chrX-154350069-A-C. GRCh37 (hg19) VCF-style: chrX-153578437-A-C.
Other names: c.7271T>G, p.Val2424Gly (NM_001456.4); short protein forms V2432G, V2424G.
Identifiers: ClinVar variation 2953296 (VCV002953296.3), dbSNP rs2522714805, ClinGen allele CA415183763.